The following is an entry in ClinVar:

ClinVar aggregate classification (germline): Uncertain significance (1 of 4 stars; one submission).

Conditions:
Ataxia-telangiectasia syndrome (AT). Also called: LOUIS-BAR SYNDROME; Cerebello-oculocutaneous telangiectasia; Immunodeficiency with ataxia telangiectasia; ATAXIA-TELANGIECTASIA, COMPLEMENTATION GROUP A; ATAXIA-TELANGIECTASIA, FRESNO VARIANT; Ataxia-telangiectasia, complementation group D. Identifiers: Orphanet 100, MedGen C0004135, MONDO:0008840, OMIM 208900.

Submission:

Labcorp Genetics (formerly Invitae), Labcorp
Classification: Uncertain significance for Ataxia-telangiectasia syndrome. Last evaluated: 2024-05-31. Review status: criteria provided, single submitter. Criteria: Invitae Variant Classification Sherloc (09022015). Collection method: clinical testing. Allele origin: germline.
Comment: This sequence change replaces arginine, which is basic and polar, with lysine, which is basic and polar, at codon 1633 of the ATM protein (p.Arg1633Lys). This variant is not present in population databases (gnomAD no frequency). This variant has not been reported in the literature in individuals affected with ATM-related conditions. Algorithms developed to predict the effect of missense changes on protein structure and function output the following: SIFT: "Not Available"; PolyPhen-2: "Benign"; Align-GVGD: "Not Available". The lysine amino acid residue is found in multiple mammalian species, which suggests that this missense change does not adversely affect protein function. In summary, the available evidence is currently insufficient to determine the role of this variant in disease. Therefore, it has been classified as a Variant of Uncertain Significance.

NM_000051.4(ATM):c.4898G>A (p.Arg1633Lys)

Gene: ATM (ATM serine/threonine kinase; plus strand). Cytogenetic location: 11q22.3.
Variant type: single nucleotide variant.
Coding change: c.4898G>A on transcript NM_000051.4 (MANE Select); coding-DNA position 4898, G replaced by A.
Protein change: p.Arg1633Lys; replaces arginine 1633 with lysine.
Molecular consequence: missense variant.
Genome position (GRCh38, 1-based): chr11:108,295,048, G>A. VCF-style: chr11-108295048-G-A. GRCh37 (hg19) VCF-style: chr11-108165775-G-A.
Other names: c.4898G>A, p.Arg1633Lys (NM_001351834.2); short protein forms R1633K.
Identifiers: ClinVar variation 3655098 (VCV003655098.2).